The following is an entry in ClinVar:

NM_000038.6(APC):c.6674C>G (p.Ser2225Cys)

Gene: APC (APC regulator of Wnt signaling pathway; plus strand). Cytogenetic location: 5q22.2.
Variant type: single nucleotide variant.
Coding change: c.6674C>G on transcript NM_000038.6 (MANE Select); coding-DNA position 6674, C replaced by G.
Protein change: p.Ser2225Cys; replaces serine 2225 with cysteine.
Molecular consequence: missense variant.
Genome position (GRCh38, 1-based): chr5:112,842,268, C>G. VCF-style: chr5-112842268-C-G. GRCh37 (hg19) VCF-style: chr5-112177965-C-G.
Other names: c.6674C>G, p.Ser2225Cys (NM_001127510.3, NM_001354895.2); c.6620C>G, p.Ser2207Cys (NM_001127511.3); c.6728C>G, p.Ser2243Cys (NM_001354896.2); c.6704C>G, p.Ser2235Cys (NM_001354897.2); c.6599C>G, p.Ser2200Cys (NM_001354898.2); c.6590C>G, p.Ser2197Cys (NM_001354899.2); c.6551C>G, p.Ser2184Cys (NM_001354900.2); c.6497C>G, p.Ser2166Cys (NM_001354901.2); and 5 more; short protein forms S2207C, S2225C, S1942C, S2197C, S2124C, S2184C, S2099C, S2134C.
Identifiers: ClinVar variation 411431 (VCV000411431.29), dbSNP rs759307079, ClinGen allele CA045739.

ClinVar aggregate classification (germline): Uncertain significance. Review status: criteria provided, multiple submitters, no conflicts (2 of 4 stars). 9 submissions from 9 submitters: Uncertain significance (9). Last evaluated 2026-08-25.

Conditions:
Classic or attenuated familial adenomatous polyposis. Identifiers: MedGen CN372698, MONDO:0021057.
APC-related disorder. Also called: APC-related condition.
Hereditary cancer-predisposing syndrome. Also called: Neoplastic Syndromes, Hereditary; Tumor predisposition; Hereditary Cancer Syndrome; Hereditary neoplastic syndrome. Identifiers: Orphanet 140162, MedGen C0027672, MeSH D009386, MONDO:0015356.
Familial adenomatous polyposis 1 (FAP1). Also called: FAMILIAL ADENOMATOUS POLYPOSIS 1, ATTENUATED; POLYPOSIS, ADENOMATOUS INTESTINAL. Identifiers: MedGen C2713442, MONDO:0021056, OMIM 175100. Disease mechanism: loss of function.

Allele frequency attached by ClinVar (database versions not stated): gnomAD exomes below 0.00001 and 0.00001; ExAC 0.00001.
gnomAD v4.1: 5 of 1,614,014 alleles (0.00031%); highest among the groups gnomAD compares: Middle Eastern, 0.017%; no homozygotes.

Submissions (9):

PreventionGenetics, part of Exact Sciences
Classification: Uncertain significance for APC-related condition. Last evaluated: 2026-08-25. Review status: criteria provided, single submitter. Criteria: ACMG Guidelines, 2015. Collection method: clinical testing. Allele origin: germline.
Comment: The APC c.6674C>G variant is predicted to result in the amino acid substitution p.Ser2225Cys. This variant has been reported in an individual with breast cancer (Al-Kafaji et al. 2023. PubMed ID: 37656691). This variant is reported in 0.0018% of alleles in individuals of European (Non-Finnish) descent in gnomAD. This variant has an interpretation of uncertain significance in ClinVar (Variation ID: 411431). At this time, the clinical significance of this variant is uncertain due to the absence of conclusive functional and genetic evidence.

Labcorp Genetics (formerly Invitae), Labcorp
Classification: Uncertain significance for Familial adenomatous polyposis 1. Last evaluated: 2025-04-08. Review status: criteria provided, single submitter. Criteria: Invitae Variant Classification Sherloc (09022015). Collection method: clinical testing. Allele origin: germline.
Comment: This sequence change replaces serine, which is neutral and polar, with cysteine, which is neutral and slightly polar, at codon 2225 of the APC protein (p.Ser2225Cys). This variant is present in population databases (rs759307079, gnomAD 0.002%). This variant has not been reported in the literature in individuals affected with APC-related conditions. ClinVar contains an entry for this variant (Variation ID: 411431). Invitae Evidence Modeling of protein sequence and biophysical properties (such as structural, functional, and spatial information, amino acid conservation, physicochemical variation, residue mobility, and thermodynamic stability) indicates that this missense variant is not expected to disrupt APC protein function with a negative predictive value of 95%. In summary, the available evidence is currently insufficient to determine the role of this variant in disease. Therefore, it has been classified as a Variant of Uncertain Significance.

Ambry Genetics
Classification: Uncertain significance for Hereditary cancer-predisposing syndrome. Last evaluated: 2025-03-04. Review status: criteria provided, single submitter. Criteria: Ambry Variant Classification Scheme 2023. Collection method: clinical testing. Allele origin: germline.
Comment: The p.S2225C variant (also known as c.6674C>G), located in coding exon 15 of the APC gene, results from a C to G substitution at nucleotide position 6674. The serine at codon 2225 is replaced by cysteine, an amino acid with dissimilar properties. This amino acid position is highly conserved in available vertebrate species. Missense alterations in APC are not a common cause of disease (Spier I et al. Genet Med. 2024 Feb;26(2):100992). In addition, in silico predictors for this gene do not accurately predict pathogenicity. Since supporting evidence is limited at this time, the clinical significance of this alteration remains unclear.

Center for Genomic Medicine, Rigshospitalet, Copenhagen University Hospital
Classification: Uncertain significance. Last evaluated: 2025-03-04. Review status: criteria provided, single submitter. Criteria: ACMG Guidelines, 2015. Collection method: clinical testing. Allele origin: germline.

Color Diagnostics, LLC DBA Color Health
Classification: Uncertain significance for Hereditary cancer-predisposing syndrome. Last evaluated: 2024-07-01. Review status: criteria provided, single submitter. Criteria: ACMG Guidelines, 2015. Collection method: clinical testing. Allele origin: germline.
Comment: This missense variant replaces serine with cysteine at codon 2225 of the APC protein. Computational prediction suggests that this variant may not impact protein structure and function (internally defined REVEL score threshold <= 0.5, PMID: 27666373). To our knowledge, functional studies have not been reported for this variant. This variant has not been reported in individuals affected with APC-related disorders in the literature. This variant has been identified in 2/250008 chromosomes in the general population by the Genome Aggregation Database (gnomAD). The available evidence is insufficient to determine the role of this variant in disease conclusively. Therefore, this variant is classified as a Variant of Uncertain Significance.

GeneDx
Classification: Uncertain significance. Last evaluated: 2024-04-05. Review status: criteria provided, single submitter. Criteria: GeneDx Variant Classification Process June 2021. Collection method: clinical testing. Allele origin: germline. Affected: yes.
Comment: Not observed at significant frequency in large population cohorts (gnomAD); In silico analysis indicates that this missense variant does not alter protein structure/function; Has not been previously published as pathogenic or benign to our knowledge; This variant is associated with the following publications: (PMID: 18199528)

All of Us Research Program, National Institutes of Health
Classification: Uncertain significance for Classic or attenuated familial adenomatous polyposis. Last evaluated: 2023-03-04. Review status: criteria provided, single submitter. Criteria: ACMG Guidelines, 2015. Collection method: clinical testing. Allele origin: germline. Inheritance: Autosomal dominant inheritance. Observed: 1 variant allele, 1 heterozygote.
Comment: This missense variant replaces serine with cysteine at codon 2225 of the APC protein. Computational prediction suggests that this variant may have deleterious impact on protein structure and function (internally defined REVEL score threshold >= 0.7, PMID: 27666373). To our knowledge, functional studies have not been reported for this variant. This variant has not been reported in individuals affected with hereditary cancer in the literature. This variant has been identified in 2/250008 chromosomes in the general population by the Genome Aggregation Database (gnomAD). The available evidence is insufficient to determine the role of this variant in disease conclusively. Therefore, this variant is classified as a Variant of Uncertain Significance.

This study involves interpretation of variants in research participants for the purpose of population health screening. Participant phenotype was not available at the time of variant classification. Additional details can be found in publication PMID: 35346344, PMCID: PMC8962531

Revvity Omics, Revvity
Classification: Uncertain significance. Last evaluated: 2022-09-18. Review status: criteria provided, single submitter. Criteria: ACMG Guidelines, 2015. Collection method: clinical testing. Allele origin: germline.

Women's Health and Genetics/Laboratory Corporation of America, LabCorp
Classification: Uncertain significance. Last evaluated: 2018-03-12. Review status: criteria provided, single submitter. Criteria: LabCorp Variant Classification Summary - May 2015. Collection method: clinical testing. Allele origin: germline.
Comment: Variant summary: APC c.6674C>G (p.Ser2225Cys) results in a non-conservative amino acid change located in the Adenomatous polyposis coli protein basic domain of the encoded protein sequence. Four of five in-silico tools predict a damaging effect of the variant on protein function. However, these predictions have yet to be functionally assessed. The variant was observed with an allele frequency of 8.1e-06 in 245772 control chromosomes (gnomAD). This frequency is not significantly higher than expected for a pathogenic variant in APC causing Familial Adenomatous Polyposis (8.1e-06 vs 7.1e-05), allowing no conclusion about variant significance. To our knowledge, no occurrence of c.6674C>G in individuals affected with Familial Adenomatous Polyposis and no experimental evidence demonstrating its impact on protein function have been reported. Multiple ClinVar submissions from clinical diagnostic laboratories (evaluation after 2014) cites the variant as "uncertain significance." Based on the evidence outlined above, the variant was classified as uncertain significance.